The following is an entry in ClinVar:

NM_015559.3(SETBP1):c.2874G>C (p.Glu958Asp)

Gene: SETBP1 (SET binding protein 1; plus strand). Cytogenetic location: 18q12.3.
Variant type: single nucleotide variant.
Coding change: c.2874G>C on transcript NM_015559.3 (MANE Select); coding-DNA position 2874, G replaced by C.
Protein change: p.Glu958Asp; replaces glutamic acid 958 with aspartic acid.
Molecular consequence: missense variant.
Genome position (GRCh38, 1-based): chr18:44,952,214, G>C. VCF-style: chr18-44952214-G-C. GRCh37 (hg19) VCF-style: chr18-42532179-G-C.
Other names: c.2874G>C, p.Glu958Asp (NM_001379141.1, NM_001379142.1, NM_001410862.1); short protein forms E958D.
Identifiers: ClinVar variation 2016154 (VCV002016154.4), dbSNP rs373201270, ClinGen allele CA402322456.
Genomic context (GRCh38, chr18:44,952,214, plus strand): 5'-CAAGAGGAAACGGAAAAGCCTGCAAAACCGCGATGACCTCCAGTTTCTGGCAGACCTGGA[G>C]GAGCTAATCACCAAGTTCCAAGTGTTCAGAATCTCCCACCGGAGTTACACCTTCTACCAC-3'
Protein context (NP_056374.2, residues 948-968): RDDLQFLADL[Glu958Asp]ELITKFQVFR

ClinVar aggregate classification (germline): Uncertain significance (1 of 4 stars; one submission).

Submission:

Labcorp Genetics (formerly Invitae), Labcorp
Classification: Uncertain significance. Last evaluated: 2022-07-11. Review status: criteria provided, single submitter. Criteria: Invitae Variant Classification Sherloc (09022015). Collection method: clinical testing. Allele origin: germline.
Comment: This sequence change replaces glutamic acid, which is acidic and polar, with aspartic acid, which is acidic and polar, at codon 958 of the SETBP1 protein (p.Glu958Asp). In summary, the available evidence is currently insufficient to determine the role of this variant in disease. Therefore, it has been classified as a Variant of Uncertain Significance. Algorithms developed to predict the effect of missense changes on protein structure and function are either unavailable or do not agree on the potential impact of this missense change (SIFT: "Deleterious"; PolyPhen-2: "Probably Damaging"; Align-GVGD: "Class C0"). This variant has not been reported in the literature in individuals affected with SETBP1-related conditions. This variant is not present in population databases (gnomAD no frequency).